The following is an entry in ClinVar:

ClinVar aggregate classification (germline): Uncertain significance (1 of 4 stars; one submission).

Conditions:
Amyotrophic lateral sclerosis type 15. Also called: AMYOTROPHIC LATERAL SCLEROSIS 15 WITH FRONTOTEMPORAL DEMENTIA. Identifiers: Orphanet 803, MedGen C3275459, MONDO:0010459, OMIM 300857.

gnomAD v4.1: 5 of 1,204,112 alleles (0.00042%); highest among the groups gnomAD compares: African/African-American, 0.0017%; no homozygotes.

Submission:

Labcorp Genetics (formerly Invitae), Labcorp
Classification: Uncertain significance for Amyotrophic lateral sclerosis type 15. Last evaluated: 2025-06-11. Review status: criteria provided, single submitter. Criteria: Invitae Variant Classification Sherloc (09022015). Collection method: clinical testing. Allele origin: germline.
Comment: This sequence change affects codon 539 of the UBQLN2 mRNA. It is a 'silent' change, meaning that it does not change the encoded amino acid sequence of the UBQLN2 protein. This variant is not present in population databases (gnomAD no frequency). This variant has not been reported in the literature in individuals affected with UBQLN2-related conditions. In summary, the available evidence is currently insufficient to determine the role of this variant in disease. Therefore, it has been classified as a Variant of Uncertain Significance.

NM_013444.4(UBQLN2):c.1617C>T (p.Ser539=)

Gene: UBQLN2 (ubiquilin 2; plus strand). Cytogenetic location: Xp11.21.
Variant type: single nucleotide variant.
Coding change: c.1617C>T on transcript NM_013444.4 (MANE Select); coding-DNA position 1617, C replaced by T.
Protein change: p.Ser539=; no amino-acid change (serine 539 retained).
Molecular consequence: synonymous variant.
Genome position (GRCh38, 1-based): chrX:56,565,490, C>T. VCF-style: chrX-56565490-C-T. GRCh37 (hg19) VCF-style: chrX-56591923-C-T.
Identifiers: ClinVar variation 4708276 (VCV004708276.1).